The following is an entry in ClinVar:

NM_007294.4(BRCA1):c.5362G>A (p.Gly1788Ser)

Gene: BRCA1 (BRCA1 DNA repair associated; minus strand). Cytogenetic location: 17q21.31.
Variant type: single nucleotide variant.
Coding change: c.5362G>A on transcript NM_007294.4 (MANE Select); coding-DNA position 5362, G replaced by A.
Protein change: p.Gly1788Ser; replaces glycine 1788 with serine.
Molecular consequence: missense variant. On other transcripts: non-coding transcript variant (1), intron variant (1).
Genome position (GRCh38, 1-based): chr17:43,049,165, C>T on the plus strand (G>A on the coding strand, the complement: BRCA1 is on the minus strand). VCF-style: chr17-43049165-C-T. GRCh37 (hg19) VCF-style: chr17-41201182-C-T.
Other names: c.5215G>A, p.Gly1739Ser (NM_001407839.1, NM_001407841.1, NM_001407842.1 and 12 more transcripts); c.5152G>A, p.Gly1718Ser (NM_001407879.1, NM_001407881.1, NM_001407882.1 and 5 more transcripts); c.5149G>A, p.Gly1717Ser (NM_001407894.1, NM_001407908.1, NM_001407909.1 and 12 more transcripts); c.5146G>A, p.Gly1716Ser (NM_001407915.1, NM_001407916.1, NM_001407917.1 and 1 more transcripts); c.5098G>A, p.Gly1700Ser (NM_001407920.1, NM_001407921.1, NM_001407922.1 and 4 more transcripts); c.5095G>A, p.Gly1699Ser (NM_001407932.1, NM_001407933.1, NM_001407927.1 and 4 more transcripts); c.5092G>A, p.Gly1698Ser (NM_001407934.1, NM_001407935.1, NM_001407936.1); c.5029G>A, p.Gly1677Ser (NM_001407946.1, NM_001407947.1, NM_001407948.1 and 1 more transcripts); and 73 more; short protein forms G1809S, G1788S, G1741S, G684S, G1660S, G1676S, G1698S, G1700S.
Identifiers: ClinVar variation 868033 (VCV000868033.4), dbSNP rs397509271, ClinGen allele CA10590741.

ClinVar aggregate classification (germline): Likely pathogenic (1 of 4 stars; one submission).

Conditions:
Breast-ovarian cancer, familial, susceptibility to, 1 (BROVCA1). Also called: BRCA1 Hereditary Breast and Ovarian Cancer; OVARIAN CANCER, SUSCEPTIBILITY TO. Identifiers: Orphanet 145, MedGen C2676676, MONDO:0011450, OMIM 604370. Disease mechanism: loss of function.

Submissions (2):

Medical and Scientific Branch, Hong Kong Genome Institute
Classification: Likely pathogenic for Breast-ovarian cancer, familial, susceptibility to, 1. Last evaluated: 2026-01-26. Review status: criteria provided, single submitter. Criteria: ACMG Guidelines, 2015. Collection method: clinical testing. Allele origin: unknown. Affected: yes.

Brotman Baty Institute, University of Washington
No classification provided (evidence only). Condition: Breast-ovarian cancer, familial 1. Review status: no classification provided. Collection method: in vitro. Allele origin: not applicable. Functional consequence: functionally_abnormal. Not counted in ClinVar's aggregate classification.
ClinVar note: "not provided" was previously submitted as the classification for the variant. However, the classification appeared to be based only on an observation of functional data so it was converted to no classification on 2025-07-30.